The following is an entry in ClinVar:

ClinVar aggregate classification (germline): Uncertain significance (1 of 4 stars; one submission).

Conditions:
Atrioventricular septal defect 5 (AVSD5). Identifiers: MedGen C3280939, MONDO:0013769, OMIM 614474.

Submission:

Labcorp Genetics (formerly Invitae), Labcorp
Classification: Uncertain significance for Atrioventricular septal defect 5. Last evaluated: 2022-08-31. Review status: criteria provided, single submitter. Criteria: Invitae Variant Classification Sherloc (09022015). Collection method: clinical testing. Allele origin: germline.
Comment: In summary, the available evidence is currently insufficient to determine the role of this variant in disease. Therefore, it has been classified as a Variant of Uncertain Significance. Algorithms developed to predict the effect of missense changes on protein structure and function are either unavailable or do not agree on the potential impact of this missense change (SIFT: "Deleterious"; PolyPhen-2: "Possibly Damaging"; Align-GVGD: "Class C0"). This variant has not been reported in the literature in individuals affected with GATA6-related conditions. The frequency data for this variant in the population databases is considered unreliable, as metrics indicate insufficient coverage at this position in the gnomAD database. This sequence change replaces arginine, which is basic and polar, with cysteine, which is neutral and slightly polar, at codon 306 of the GATA6 protein (p.Arg306Cys).

NM_005257.6(GATA6):c.916C>T (p.Arg306Cys)

Gene: GATA6 (GATA binding protein 6; plus strand). Cytogenetic location: 18q11.2.
Variant type: single nucleotide variant.
Coding change: c.916C>T on transcript NM_005257.6 (MANE Select); coding-DNA position 916, C replaced by T.
Protein change: p.Arg306Cys; replaces arginine 306 with cysteine.
Molecular consequence: missense variant.
Genome position (GRCh38, 1-based): chr18:22,172,060, C>T. VCF-style: chr18-22172060-C-T. GRCh37 (hg19) VCF-style: chr18-19752021-C-T.
Other names: short protein forms R306C.
Identifiers: ClinVar variation 1717264 (VCV001717264.5), dbSNP rs1200022383, ClinGen allele CA401801385.